The following is an entry in ClinVar:

NM_005159.5(ACTC1):c.410C>T (p.Ala137Val)

Genes: ACTC1 (actin alpha cardiac muscle 1; minus strand), GJD2-DT (GJD2 divergent transcript; plus strand). Cytogenetic location: 15q14.
Variant type: single nucleotide variant.
Coding change: c.410C>T on transcript NM_005159.5 (MANE Select); coding-DNA position 410, C replaced by T.
Protein change: p.Ala137Val; replaces alanine 137 with valine.
Molecular consequence: missense variant.
Genome position (GRCh38, 1-based): chr15:34,793,289, G>A on the plus strand (C>T on the coding strand, the complement: ACTC1 is on the minus strand). VCF-style: chr15-34793289-G-A. GRCh37 (hg19) VCF-style: chr15-35085490-G-A.
Other names: short protein forms A137V.
Identifiers: ClinVar variation 1346670 (VCV001346670.8), dbSNP rs2140431775, ClinGen allele CA391631292.

ClinVar aggregate classification (germline): Uncertain significance (1 of 4 stars; one submission).

Conditions:
Hypertrophic cardiomyopathy 11. Also called: ACTC1-Related Familial Hypertrophic Cardiomyopathy. Identifiers: MedGen C2677506, MONDO:0012799, OMIM 612098.
Atrial septal defect 5 (ASD5). Identifiers: Orphanet 1478, MedGen C2748552, MONDO:0013011, OMIM 612794.
Dilated cardiomyopathy 1R (CMD1R). Identifiers: Orphanet 154, Orphanet 54260, MedGen C3150681, MONDO:0013261, OMIM 613424.

Submission:

Labcorp Genetics (formerly Invitae), Labcorp
Classification: Uncertain significance for Dilated cardiomyopathy 1R; Hypertrophic cardiomyopathy 11; Atrial septal defect 5. Last evaluated: 2020-11-13. Review status: criteria provided, single submitter. Criteria: Invitae Variant Classification Sherloc (09022015). Collection method: clinical testing. Allele origin: germline.
Comment: This sequence change replaces alanine with valine at codon 137 of the ACTC1 protein (p.Ala137Val). The alanine residue is highly conserved and there is a small physicochemical difference between alanine and valine. This variant is not present in population databases (ExAC no frequency). This variant has not been reported in the literature in individuals with ACTC1-related conditions. Algorithms developed to predict the effect of missense changes on protein structure and function are either unavailable or do not agree on the potential impact of this missense change (SIFT: "Deleterious"; PolyPhen-2: "Benign"; Align-GVGD: "Class C0"). In summary, the available evidence is currently insufficient to determine the role of this variant in disease. Therefore, it has been classified as a Variant of Uncertain Significance.